The following is an entry in ClinVar:

NM_000045.4(ARG1):c.472G>A (p.Asp158Asn)

Genes: ARG1 (arginase 1; plus strand), MED23 (mediator complex subunit 23; minus strand). Cytogenetic location: 6q23.2.
Variant type: single nucleotide variant.
Coding change: c.472G>A on transcript NM_000045.4 (MANE Select); coding-DNA position 472, G replaced by A.
Protein change: p.Asp158Asn; replaces aspartic acid 158 with asparagine.
Molecular consequence: missense variant. On other transcripts: non-coding transcript variant (1), intron variant (3).
Genome position (GRCh38, 1-based): chr6:131,582,627, G>A. VCF-style: chr6-131582627-G-A. GRCh37 (hg19) VCF-style: chr6-131903767-G-A.
Other names: c.496G>A, p.Asp166Asn (NM_001244438.2); c.306-433G>A (NM_001369020.1); c.4077+5082C>T (NM_001270521.2); c.4095+5082C>T (NM_015979.4); short protein forms D158N, D166N.
Identifiers: ClinVar variation 1175751 (VCV001175751.38), dbSNP rs751647696, ClinGen allele CA3999282.

ClinVar aggregate classification (germline): Uncertain significance. Review status: criteria provided, multiple submitters, no conflicts (2 of 4 stars). 4 submissions from 4 submitters: Uncertain significance (4). Last evaluated 2026-01-21.

Conditions:
Arginase deficiency. Also called: ARGININEMIA; ARG1 DEFICIENCY; Arginase 1 Deficiency. Identifiers: Orphanet 90, MedGen C0268548, MONDO:0008814, OMIM 207800.

Allele frequency attached by ClinVar (database versions not stated): ExAC 0.00004; gnomAD 0.00017 and 0.00019; gnomAD exomes 0.00005; TOPMed 0.00022.
gnomAD v4.1: 131 of 1,613,168 alleles (0.0081%); highest among the groups gnomAD compares: African/African-American, 0.032%; no homozygotes.

Submissions (4):

Labcorp Genetics (formerly Invitae), Labcorp
Classification: Uncertain significance for Arginase deficiency. Last evaluated: 2026-01-21. Review status: criteria provided, single submitter. Criteria: Invitae Variant Classification Sherloc (09022015). Collection method: clinical testing. Allele origin: germline.
Comment: This sequence change replaces aspartic acid, which is acidic and polar, with asparagine, which is neutral and polar, at codon 158 of the ARG1 protein (p.Asp158Asn). This variant is present in population databases (rs751647696, gnomAD 0.02%). This variant has not been reported in the literature in individuals affected with ARG1-related conditions. ClinVar contains an entry for this variant (Variation ID: 1175751). An algorithm developed to predict the effect of missense changes on protein structure and function (PolyPhen-2) suggests that this variant is likely to be tolerated. Algorithms developed to predict the effect of sequence changes on RNA splicing suggest that this variant may disrupt the consensus splice site. In summary, the available evidence is currently insufficient to determine the role of this variant in disease. Therefore, it has been classified as a Variant of Uncertain Significance.

GeneDx
Classification: Uncertain significance. Last evaluated: 2025-02-08. Review status: criteria provided, single submitter. Criteria: GeneDx Variant Classification Process June 2021. Collection method: clinical testing. Allele origin: germline. Affected: yes.
Comment: In silico analysis indicates that this missense variant does not alter protein structure/function; Has not been previously published as pathogenic or benign to our knowledge

Blueprint Genetics
Classification: Uncertain significance. Last evaluated: 2023-09-04. Review status: criteria provided, single submitter. Criteria: ACMG Guidelines, 2015. Collection method: clinical testing. Allele origin: germline.

CeGaT Center for Human Genetics Tuebingen
Classification: Uncertain significance. Last evaluated: 2021-03-01. Review status: criteria provided, single submitter. Criteria: CeGaT Center For Human Genetics Tuebingen Variant Classification Criteria Version 2. Collection method: clinical testing. Allele origin: germline. Affected: yes. Observed: 1 variant allele.